The following is an entry in ClinVar:

NM_022114.4(PRDM16):c.884+112C>T

Gene: PRDM16 (PR/SET domain 16; plus strand). Cytogenetic location: 1p36.32.
Variant type: single nucleotide variant.
Coding change: c.884+112C>T on transcript NM_022114.4 (MANE Select); 112 bases into the intron after coding-DNA position 884, C replaced by T.
Molecular consequence: intron variant.
Genome position (GRCh38, 1-based): chr1:3,403,110, C>T. VCF-style: chr1-3403110-C-T. GRCh37 (hg19) VCF-style: chr1-3319674-C-T.
Other names: c.884+112C>T (NM_199454.3).
Identifiers: ClinVar variation 674732 (VCV000674732.1), dbSNP rs12562397, ClinGen allele CA10761272.

ClinVar aggregate classification (germline): Benign (1 of 4 stars; one submission).

Allele frequency attached by ClinVar (database versions not stated): TOPMed 0.54765; 1000 Genomes Project 30x 0.55450; 1000 Genomes Project 0.56230; gnomAD 0.56835 and 0.57547.

Submission:

GeneDx
Classification: Benign. Last evaluated: 2018-06-14. Review status: criteria provided, single submitter. Criteria: GeneDx Variant Classification (06012015). Collection method: clinical testing. Allele origin: germline. Affected: yes.
Comment: This variant is considered likely benign or benign based on one or more of the following criteria: it is a conservative change, it occurs at a poorly conserved position in the protein, it is predicted to be benign by multiple in silico algorithms, and/or has population frequency not consistent with disease.